The following is an entry in ClinVar:

ClinVar aggregate classification (germline): Uncertain significance (1 of 4 stars; one submission).

Conditions:
Inborn genetic diseases. Identifiers: MedGen C0950123, MeSH D030342.

Submission:

Ambry Genetics
Classification: Uncertain significance for Inborn genetic diseases. Last evaluated: 2025-11-11. Review status: criteria provided, single submitter. Criteria: Ambry Variant Classification Scheme 2023. Collection method: clinical testing. Allele origin: germline.
Comment: The p.S62I variant (also known as c.185G>T), located in coding exon 3 of the ETV6 gene, results from a G to T substitution at nucleotide position 185. The serine at codon 62 is replaced by isoleucine, an amino acid with dissimilar properties. This amino acid position is conserved. In addition, this alteration is predicted to be deleterious by in silico analysis. Based on the available evidence, the clinical significance of this variant remains unclear.

NM_001987.5(ETV6):c.185G>T (p.Ser62Ile)

Genes: ETV6 (ETS variant transcription factor 6; plus strand), LOC126861451 (BRD4-independent group 4 enhancer GRCh37_chr12:11991350-11992549; plus strand). Cytogenetic location: 12p13.2.
Variant type: single nucleotide variant.
Coding change: c.185G>T on transcript NM_001987.5 (MANE Select); coding-DNA position 185, G replaced by T.
Protein change: p.Ser62Ile; replaces serine 62 with isoleucine.
Molecular consequence: missense variant. On other transcripts: 5 prime UTR variant (1).
Genome position (GRCh38, 1-based): chr12:11,839,161, G>T. VCF-style: chr12-11839161-G-T. GRCh37 (hg19) VCF-style: chr12-11992095-G-T.
Other names: c.182G>T, p.Ser61Ile (NM_001413913.1); c.158G>T, p.Ser53Ile (NM_001413914.1); c.-80G>T (NM_001413915.1); c.185G>T, p.Ser62Ile (NM_001413916.1, NM_001413917.1, NM_001413918.1); short protein forms S53I, S61I, S62I.
Identifiers: ClinVar variation 4618871 (VCV004618871.1).